The following is an entry in ClinVar:

NM_001365951.3(KIF1B):c.4462C>G (p.Leu1488Val)

Gene: KIF1B (kinesin family member 1B; plus strand). Cytogenetic location: 1p36.22.
Variant type: single nucleotide variant.
Coding change: c.4462C>G on transcript NM_001365951.3 (MANE Select); coding-DNA position 4462, C replaced by G.
Protein change: p.Leu1488Val; replaces leucine 1488 with valine.
Molecular consequence: missense variant.
Genome position (GRCh38, 1-based): chr1:10,365,195, C>G. VCF-style: chr1-10365195-C-G. GRCh37 (hg19) VCF-style: chr1-10425253-C-G.
Other names: c.4462C>G, p.Leu1488Val (NM_001365952.1); c.4324C>G, p.Leu1442Val (NM_015074.3); short protein forms L1442V, L1488V.
Identifiers: ClinVar variation 4092299 (VCV004092299.1).
Genomic context (GRCh38, chr1:10,365,195, plus strand): 5'-TCAGTGGCATATGTGCGGGGAGAAGAGAACTTAGCAGGCTGGCGGCCCCGTGGAGACAGC[C>G]TCATCCTTGAGCACCAGTGGGAGCTGGAGAAGCTGGAGCTCCTACATGAGGTATCCAGGG-3'
Protein context (NP_001352880.1, residues 1478-1498): LAGWRPRGDS[Leu1488Val]ILEHQWELEK

ClinVar aggregate classification (germline): Uncertain significance (1 of 4 stars; one submission).

Submission:

Ambry Genetics
Classification: Uncertain significance. Last evaluated: 2025-06-22. Review status: criteria provided, single submitter. Criteria: Ambry Variant Classification Scheme 2023. Collection method: clinical testing. Allele origin: germline.
Comment: The p.L1442V variant (also known as c.4324C>G), located in coding exon 39 of the KIF1B gene, results from a C to G substitution at nucleotide position 4324. The leucine at codon 1442 is replaced by valine, an amino acid with highly similar properties. This amino acid position is conserved. In addition, this alteration is predicted to be deleterious by in silico analysis. Based on the available evidence, the clinical significance of this variant remains unclear.